The following is an entry in ClinVar:

ClinVar aggregate classification (germline): Uncertain significance. Review status: criteria provided, multiple submitters, no conflicts (2 of 4 stars). 2 submissions from 2 submitters: Uncertain significance (2). Last evaluated 2025-11-12.

Conditions:
Inborn genetic diseases. Identifiers: MedGen C0950123, MeSH D030342.

Allele frequency attached by ClinVar (database versions not stated): gnomAD 0.00001.
gnomAD v4.1: 13 of 1,613,486 alleles (0.00081%); highest among the groups gnomAD compares: African/African-American, 0.0013%; no homozygotes.

Submissions (2):

Labcorp Genetics (formerly Invitae), Labcorp
Classification: Uncertain significance. Last evaluated: 2025-11-12. Review status: criteria provided, single submitter. Criteria: Invitae Variant Classification Sherloc (09022015). Collection method: clinical testing. Allele origin: germline.
Comment: This sequence change replaces histidine, which is basic and polar, with glutamine, which is neutral and polar, at codon 346 of the FAR1 protein (p.His346Gln). This variant is present in population databases (no rsID available, gnomAD 0.01%). This variant has not been reported in the literature in individuals affected with FAR1-related conditions. ClinVar contains an entry for this variant (Variation ID: 1900838). Invitae Evidence Modeling of protein sequence and biophysical properties (such as structural, functional, and spatial information, amino acid conservation, physicochemical variation, residue mobility, and thermodynamic stability) indicates that this missense variant is not expected to disrupt FAR1 protein function with a negative predictive value of 80%. In summary, the available evidence is currently insufficient to determine the role of this variant in disease. Therefore, it has been classified as a Variant of Uncertain Significance.

Ambry Genetics
Classification: Uncertain significance for Inborn genetic diseases. Last evaluated: 2025-04-15. Review status: criteria provided, single submitter. Criteria: Ambry Variant Classification Scheme 2023. Collection method: clinical testing. Allele origin: germline.

NM_032228.6(FAR1):c.1038T>G (p.His346Gln)

Gene: FAR1 (fatty acyl-CoA reductase 1; plus strand). Cytogenetic location: 11p15.3.
Variant type: single nucleotide variant.
Coding change: c.1038T>G on transcript NM_032228.6 (MANE Select); coding-DNA position 1038, T replaced by G.
Protein change: p.His346Gln; replaces histidine 346 with glutamine.
Molecular consequence: missense variant.
Genome position (GRCh38, 1-based): chr11:13,714,591, T>G. VCF-style: chr11-13714591-T-G. GRCh37 (hg19) VCF-style: chr11-13736138-T-G.
Other names: c.1038T>G (NM_032228.5); short protein forms H346Q.
Identifiers: ClinVar variation 1900838 (VCV001900838.6), dbSNP rs1216945557, ClinGen allele CA379858402.